The following is an entry in ClinVar:

NM_000297.4(PKD2):c.2242A>T (p.Lys748Ter)

Gene: PKD2 (polycystin 2, transient receptor potential cation channel; plus strand). Cytogenetic location: 4q22.1.
Variant type: single nucleotide variant.
Coding change: c.2242A>T on transcript NM_000297.4 (MANE Select); coding-DNA position 2242, A replaced by T.
Protein change: p.Lys748Ter; replaces lysine 748 with a stop codon.
Molecular consequence: nonsense. On other transcripts: non-coding transcript variant (1).
Genome position (GRCh38, 1-based): chr4:88,065,763, A>T. VCF-style: chr4-88065763-A-T. GRCh37 (hg19) VCF-style: chr4-88986915-A-T.
Other names: short protein forms K748*.
Identifiers: ClinVar variation 811796 (VCV000811796.9), dbSNP rs1578147448, ClinGen allele CA357624834.

ClinVar aggregate classification (germline): Pathogenic. Review status: criteria provided, multiple submitters, no conflicts (2 of 4 stars). 2 submissions from 2 submitters: Pathogenic (2). Last evaluated 2021-08-31.

Conditions:
Polycystic kidney disease 2 (PKD2). Also called: POLYCYSTIC KIDNEY DISEASE 2 WITH OR WITHOUT POLYCYSTIC LIVER DISEASE; Polycystic Kidney Disease 2, Autosomal Dominant; POLYCYSTIC KIDNEY DISEASE, ADULT, TYPE II. Identifiers: MedGen C2751306, MONDO:0013131, OMIM 613095.

Submissions (2):

Fulgent Genetics
Classification: Pathogenic for Polycystic kidney disease 2. Last evaluated: 2021-08-31. Review status: criteria provided, single submitter. Criteria: ACMG Guidelines, 2015. Collection method: clinical testing. Allele origin: unknown.

ARUP Laboratories, Molecular Genetics and Genomics, ARUP Laboratories
Classification: Pathogenic for Polycystic kidney disease 2. Last evaluated: 2018-10-29. Review status: criteria provided, single submitter. Criteria: ARUP Molecular Germline Variant Investigation Process. Collection method: clinical testing. Allele origin: germline.
Comment: The PKD2 c.2242A>T; p.Lys748Ter variant, to our knowledge, is not reported in the medical literature or gene specific databases. This variant is also absent from general population databases (1000 Genomes Project, Exome Variant Server, and Genome Aggregation Database), indicating it is not a common polymorphism. This variant induces an early termination codon and is predicted to result in a truncated protein or mRNA subject to nonsense-mediated decay. Based on available information, the p.Lys748Ter variant is considered to be pathogenic.